The following is an entry in ClinVar:

ClinVar aggregate classification (germline): Pathogenic (1 of 4 stars; one submission).

Conditions:
Severe combined immunodeficiency, autosomal recessive, T cell-negative, B cell-negative, NK cell-positive. Also called: SCID, AR, T-cell negative, B-cell negative, NK cell-positive; SCID, T CELL-NEGATIVE, B CELL-NEGATIVE, NK CELL-POSITIVE; Severe combined immunodeficiency due to complete RAG1/2 deficiency. Identifiers: Orphanet 331206, MedGen C1832322, MONDO:0011086, OMIM 601457.
Combined immunodeficiency with skin granulomas. Identifiers: Orphanet 157949, MedGen C2673536, MONDO:0009306, OMIM 233650.

Submission:

Labcorp Genetics (formerly Invitae), Labcorp
Classification: Pathogenic for Combined immunodeficiency with skin granulomas; Severe combined immunodeficiency, autosomal recessive, T cell-negative, B cell-negative, NK cell-positive. Last evaluated: 2023-07-21. Review status: criteria provided, single submitter. Criteria: Invitae Variant Classification Sherloc (09022015). Collection method: clinical testing. Allele origin: germline.
Comment: This sequence change creates a premature translational stop signal (p.Tyr91Serfs*38) in the RAG2 gene. While this is not anticipated to result in nonsense mediated decay, it is expected to disrupt the last 437 amino acid(s) of the RAG2 protein. This variant is not present in population databases (gnomAD no frequency). This variant has not been reported in the literature in individuals affected with RAG2-related conditions. This variant disrupts a region of the RAG2 protein in which other variant(s) (p.Glu480*) have been determined to be pathogenic (PMID: 21624848, 29772310). This suggests that this is a clinically significant region of the protein, and that variants that disrupt it are likely to be disease-causing. For these reasons, this variant has been classified as Pathogenic.

Literature cited by the submitters: PubMed 21624848; PubMed 29772310.

NM_000536.4(RAG2):c.272_278del (p.Tyr91fs)

Gene: RAG2 (recombination activating 2; minus strand). Cytogenetic location: 11p12.
Variant type: Deletion.
Coding change: c.272_278del on transcript NM_000536.4 (MANE Select); coding-DNA positions 272 to 278, 7 bases deleted (ACATCAT; older notation c.272_278delACATCAT).
Protein change: p.Tyr91fs; shifts the reading frame from tyrosine 91.
Molecular consequence: frameshift variant.
Genome position (GRCh38, 1-based): chr11:36,593,891-36,593,897, ATGATGT deleted on the plus strand (ACATCAT on the coding strand, the reverse complement: RAG2 is on the minus strand); deleting any 7 consecutive bases within chr11:36,593,891-36,593,899 gives the same sequence; the c. name uses the placement nearest the transcript's 3' end. VCF-style (leftmost placement, unchanged base first): chr11-36593890-GATGATGT-G. GRCh37 (hg19) VCF-style: chr11-36615440-GATGATGT-G.
Other names: c.272_278del, p.Tyr91fs (NM_001243785.2, NM_001243786.2); short protein forms Y91fs.
Identifiers: ClinVar variation 2950169 (VCV002950169.3), dbSNP rs2494798134, ClinGen allele CA2740093711.